The following is an entry in ClinVar:

ClinVar aggregate classification (germline): Uncertain significance. Review status: criteria provided, multiple submitters, no conflicts (2 of 4 stars). 2 submissions from 2 submitters: Uncertain significance (2). Last evaluated 2022-04-24.

Conditions:
Arrhythmogenic right ventricular dysplasia 10. Also called: Arrhythmogenic right ventricular dysplasia/cardiomyopathy, type 10; Arrhythmogenic Right Ventricular Dysplasia/Cardiomyopathy10; ARRHYTHMOGENIC RIGHT VENTRICULAR DYSPLASIA, FAMILIAL, 10. Identifiers: MedGen C1857777, MONDO:0012434, OMIM 610193.

Submissions (2):

Labcorp Genetics (formerly Invitae), Labcorp
Classification: Uncertain significance for Arrhythmogenic right ventricular dysplasia 10. Last evaluated: 2022-04-24. Review status: criteria provided, single submitter. Criteria: Invitae Variant Classification Sherloc (09022015). Collection method: clinical testing. Allele origin: germline.
Comment: Algorithms developed to predict the effect of missense changes on protein structure and function (SIFT, PolyPhen-2, Align-GVGD) all suggest that this variant is likely to be disruptive. ClinVar contains an entry for this variant (Variation ID: 199806). This variant has not been reported in the literature in individuals affected with DSG2-related conditions. This variant is not present in population databases (gnomAD no frequency). This sequence change replaces valine, which is neutral and non-polar, with aspartic acid, which is acidic and polar, at codon 377 of the DSG2 protein (p.Val377Asp). In summary, the available evidence is currently insufficient to determine the role of this variant in disease. Therefore, it has been classified as a Variant of Uncertain Significance.

GeneDx
Classification: Uncertain significance. Last evaluated: 2016-09-01. Review status: criteria provided, single submitter. Criteria: GeneDx Variant Classification (06012015). Collection method: clinical testing. Allele origin: germline. Affected: yes.
Comment: p.Val377Asp (GTC>GAC): c.1130 T>A in exon 9 of the DSG2 gene (NM_001943.3). A variant of unknown significance has been identified in the DSG2 gene. The V377D variant has not been published as a mutation, nor has it been reported as a benign polymorphism to our knowledge. The V377D variant was not observed in approximately 6000 individuals of European and African American ancestry in the NHLBI Exome Sequencing Project, indicating it is not a common benign variant in these populations. A missense mutation in a nearby residue (N381Y) has been reported in association with ARVC, supporting the functional importance of this region of the protein. The V377D variant is a non-conservative amino acid substitution, which is likely to impact secondary protein structure as these residues differ in polarity, charge, size and/or other properties. In silico analysis predicts this variant is probably damaging to the protein structure/function. However, this substitution occurs at a position that is not well conserved across species.Therefore, based on the currently available information, it is unclear whether this variant is a pathogenic mutation or a rare benign variant. Homozygosity for V377D could be observed if one DSG2 allele was missing (intragenic deletion) and in cases of parental consanguinity. ARVC is most frequently caused by mutations in the genes encoding desmosomal proteins, complexes that maintain cell-to--cell connections and provide mechanical attachments among adjacent cells. Less commonly, ARVC may be caused by mutations in genes that encode proteins that maintain calcium homeostasis (McNally E et al., 2009). Although rare, mutations in the DSC2 gene have been reported in association with ARVC (McNally E et al., 2009). At least 12% of patients with autosomal dominant arrhythmogenic right ventricular cardiomyopathy have been reported to have a mutation in the DSG2 gene (McNally E et al., 2009). The variant is found in ARVC panel(s).

NM_001943.5(DSG2):c.1130T>A (p.Val377Asp)

Gene: DSG2 (desmoglein 2; plus strand). Cytogenetic location: 18q12.1.
Variant type: single nucleotide variant.
Coding change: c.1130T>A on transcript NM_001943.5 (MANE Select); coding-DNA position 1130, T replaced by A.
Protein change: p.Val377Asp; replaces valine 377 with aspartic acid.
Molecular consequence: missense variant.
Genome position (GRCh38, 1-based): chr18:31,531,102, T>A. VCF-style: chr18-31531102-T-A. GRCh37 (hg19) VCF-style: chr18-29111065-T-A.
Other names: p.V377D:GTC>GAC; c.1130T>A (LRG_397t1); short protein forms V377D.
Identifiers: ClinVar variation 199806 (VCV000199806.10), dbSNP rs794728085, ClinGen allele CA021280.